The following is an entry in ClinVar:

NM_004183.4(BEST1):c.1739+48C>T

Gene: BEST1 (bestrophin 1; plus strand). Cytogenetic location: 11q12.3.
Variant type: single nucleotide variant.
Coding change: c.1739+48C>T on transcript NM_004183.4 (MANE Select); 48 bases into the intron after coding-DNA position 1739, C replaced by T.
Molecular consequence: intron variant. On other transcripts: missense variant (9), 3 prime UTR variant (1).
Genome position (GRCh38, 1-based): chr11:61,962,941, C>T. VCF-style: chr11-61962941-C-T. GRCh37 (hg19) VCF-style: chr11-61730413-C-T.
Other names: c.1607C>T, p.Thr536Ile (NM_001139443.3); c.1469C>T, p.Thr490Ile (NM_001363591.3); c.*682C>T (NM_001363592.2); c.815C>T, p.Thr272Ile (NM_001363593.3); c.1787C>T, p.Thr596Ile (NM_001440571.1); c.1706C>T, p.Thr569Ile (NM_001440572.1); c.1634C>T, p.Thr545Ile (NM_001440573.1); c.1526C>T, p.Thr509Ile (NM_001440574.1); and 5 more; short protein forms T485I, T545I, T596I, T272I, T509I, T458I, T569I, T490I.
Identifiers: ClinVar variation 4911993 (VCV004911993.2).

ClinVar aggregate classification (germline): Conflicting classifications of pathogenicity. Review status: criteria provided, conflicting classifications (1 of 4 stars). 2 submissions from 2 submitters: Uncertain significance (1); Likely benign (1). Last evaluated 2026-02-10.

Conditions:
BEST1-related disorder. Also called: BEST1-related disorders; BEST1-related condition. Identifiers: MedGen CN239200.

Submissions (2):

PreventionGenetics, part of Exact Sciences
Classification: Uncertain significance for BEST1-related condition. Last evaluated: 2026-02-10. Review status: criteria provided, single submitter. Criteria: ACMG Guidelines, 2015. Collection method: clinical testing. Allele origin: germline.
Comment: The BEST1 c.1607C>T variant is predicted to result in the amino acid substitution p.Thr536Ile. To our knowledge, this variant has not been reported in the literature. This variant is present in 0.018% of alleles in individuals of European (Non-Finnish) descent in gnomAD. At this time, the clinical significance of this variant is uncertain due to the absence of conclusive functional and genetic evidence.

Blueprint Genetics
Classification: Likely benign. Last evaluated: 2023-06-20. Review status: criteria provided, single submitter. Criteria: ACMG Guidelines, 2015. Collection method: clinical testing. Allele origin: germline.